The following is an entry in ClinVar:

NM_001145809.2(MYH14):c.950G>C (p.Gly317Ala)

Genes: MYH14 (myosin heavy chain 14; plus strand), LOC121852992 (Sharpr-MPRA regulatory region 11309; plus strand). Cytogenetic location: 19q13.33.
Variant type: single nucleotide variant.
Coding change: c.950G>C on transcript NM_001145809.2 (MANE Select); coding-DNA position 950, G replaced by C.
Protein change: p.Gly317Ala; replaces glycine 317 with alanine.
Molecular consequence: missense variant.
Genome position (GRCh38, 1-based): chr19:50,230,600, G>C. VCF-style: chr19-50230600-G-C. GRCh37 (hg19) VCF-style: chr19-50733857-G-C.
Other names: c.950G>C (NM_001145809.1); c.950G>C, p.Gly317Ala (NM_001077186.2); c.926G>C, p.Gly309Ala (NM_024729.4); c.926G>C (NM_024729.3); short protein forms G309A, G317A.
Identifiers: ClinVar variation 2720312 (VCV002720312.6), dbSNP rs757415923, ClinGen allele CA9592453.
Genomic context (GRCh38, chr19:50,230,600, plus strand): 5'-CGCGGGCCATCCGCCAGGCCAAGGACGAGTGCAGCTTCCACATCTTCTACCAGCTGCTGG[G>C]GGGCGCTGGAGAGCAGCTCAAAGGTCAGTGCCGCCCCGTCCTACCCTGCTCACCCGGGAG-3'
Protein context (NP_001139281.1, residues 307-327): CSFHIFYQLL[Gly317Ala]GAGEQLKADL

ClinVar aggregate classification (germline): Conflicting classifications of pathogenicity. Review status: criteria provided, conflicting classifications (1 of 4 stars). 4 submissions from 4 submitters: Uncertain significance (2); Likely benign (2). Last evaluated 2025-12-03.

Conditions:
MYH14-related disorder. Also called: MYH14-related condition.
Inborn genetic diseases. Identifiers: MedGen C0950123, MeSH D030342.

Allele frequency attached by ClinVar (database versions not stated): ExAC 0.00004; gnomAD 0.00004; gnomAD exomes 0.00004; TOPMed 0.00006.
gnomAD v4.1: 27 of 1,566,360 alleles (0.0017%); highest among the groups gnomAD compares: Admixed American, 0.049%; no homozygotes.

Submissions (4):

Women's Health and Genetics/Laboratory Corporation of America, LabCorp
Classification: Likely benign. Last evaluated: 2025-12-03. Review status: criteria provided, single submitter. Criteria: LabCorp Variant Classification Summary - May 2015. Collection method: clinical testing. Allele origin: germline.
Comment: Variant summary: MYH14 c.926G>C (p.Gly309Ala) results in a non-conservative amino acid change in the encoded protein sequence. Algorithms developed to predict the effect of missense changes on protein structure and function are either unavailable or do not agree on the potential impact of this missense change. The variant allele was found at a frequency of 9.8e-05 in 173840 control chromosomes. The observed variant frequency exceeds the estimated maximal expected allele frequency for disease-causing variants in MYH14. To our knowledge, no occurrence of c.926G>C in individuals affected with MYH14-related conditions and no experimental evidence demonstrating its impact on protein function have been reported. The following publication has been ascertained in the context of this evaluation (PMID: 29681454). ClinVar contains an entry for this variant (Variation ID: 2720312). Based on the evidence outlined above, the variant was classified as likely benign.

Ambry Genetics
Classification: Uncertain significance for Inborn genetic diseases. Last evaluated: 2025-09-04. Review status: criteria provided, single submitter. Criteria: Ambry Variant Classification Scheme 2023. Collection method: clinical testing. Allele origin: germline.

Labcorp Genetics (formerly Invitae), Labcorp
Classification: Uncertain significance. Last evaluated: 2025-07-08. Review status: criteria provided, single submitter. Criteria: Invitae Variant Classification Sherloc (09022015). Collection method: clinical testing. Allele origin: germline.
Comment: This sequence change replaces glycine, which is neutral and non-polar, with alanine, which is neutral and non-polar, at codon 309 of the MYH14 protein (p.Gly309Ala). This variant is present in population databases (rs757415923, gnomAD 0.07%), and has an allele count higher than expected for a pathogenic variant. This variant has not been reported in the literature in individuals affected with MYH14-related conditions. ClinVar contains an entry for this variant (Variation ID: 2720312). An algorithm developed to predict the effect of missense changes on protein structure and function (PolyPhen-2) suggests that this variant is likely to be tolerated. In summary, the available evidence is currently insufficient to determine the role of this variant in disease. Therefore, it has been classified as a Variant of Uncertain Significance.

PreventionGenetics, part of Exact Sciences
Classification: Likely benign for MYH14-related condition. Last evaluated: 2024-12-02. Review status: criteria provided, single submitter. Criteria: ACMG Guidelines, 2015. Collection method: clinical testing. Allele origin: germline.
Comment: This variant is classified as likely benign based on ACMG/AMP sequence variant interpretation guidelines (Richards et al. 2015 PMID: 25741868, with internal and published modifications).

Literature cited by the submitters: PubMed 29681454 (cited by Women's Health and Genetics/Laboratory Corporation of America, LabCorp).